The following is an entry in ClinVar:

NM_000166.6(GJB1):c.104T>A (p.Val35Glu)

Gene: GJB1 (gap junction protein beta 1; plus strand). Cytogenetic location: Xq13.1.
Variant type: single nucleotide variant.
Coding change: c.104T>A on transcript NM_000166.6 (MANE Select); coding-DNA position 104, T replaced by A.
Protein change: p.Val35Glu; replaces valine 35 with glutamic acid.
Molecular consequence: missense variant.
Genome position (GRCh38, 1-based): chrX:71,223,811, T>A. VCF-style: chrX-71223811-T-A. GRCh37 (hg19) VCF-style: chrX-70443661-T-A.
Other names: c.104T>A, p.Val35Glu (NM_001097642.3, NM_001440770.1); short protein forms V35E.
Identifiers: ClinVar variation 4710055 (VCV004710055.1).

ClinVar aggregate classification (germline): Likely pathogenic (1 of 4 stars; one submission).

Conditions:
Charcot-Marie-Tooth Neuropathy X. Identifiers: MedGen CN118851.

Submission:

Labcorp Genetics (formerly Invitae), Labcorp
Classification: Likely pathogenic for Charcot-Marie-Tooth Neuropathy X. Last evaluated: 2025-04-21. Review status: criteria provided, single submitter. Criteria: Invitae Variant Classification Sherloc (09022015). Collection method: clinical testing. Allele origin: germline.
Comment: This sequence change replaces valine, which is neutral and non-polar, with glutamic acid, which is acidic and polar, at codon 35 of the GJB1 protein (p.Val35Glu). This variant is not present in population databases (gnomAD no frequency). This variant has not been reported in the literature in individuals affected with GJB1-related conditions. Invitae Evidence Modeling of protein sequence and biophysical properties (such as structural, functional, and spatial information, amino acid conservation, physicochemical variation, residue mobility, and thermodynamic stability) indicates that this missense variant is expected to disrupt GJB1 protein function with a positive predictive value of 95%. This variant disrupts the p.Val35 amino acid residue in GJB1. Other variant(s) that disrupt this residue have been determined to be pathogenic (PMID: 32903794, 34255403). This suggests that this residue is clinically significant, and that variants that disrupt this residue are likely to be disease-causing. In summary, the currently available evidence indicates that the variant is pathogenic, but additional data are needed to prove that conclusively. Therefore, this variant has been classified as Likely Pathogenic.

Literature cited by the submitters: PubMed 32903794; PubMed 34255403.